The following is an entry in ClinVar:

ClinVar aggregate classification (germline): Uncertain significance. Review status: criteria provided, multiple submitters, no conflicts (2 of 4 stars). 2 submissions from 2 submitters: Uncertain significance (2). Last evaluated 2024-02-21.

Conditions:
Inborn genetic diseases. Identifiers: MedGen C0950123, MeSH D030342.

Submissions (2):

Ambry Genetics
Classification: Uncertain significance for Inborn genetic diseases. Last evaluated: 2024-02-21. Review status: criteria provided, single submitter. Criteria: Ambry Variant Classification Scheme 2023. Collection method: clinical testing. Allele origin: germline.

Labcorp Genetics (formerly Invitae), Labcorp
Classification: Uncertain significance. Last evaluated: 2022-05-19. Review status: criteria provided, single submitter. Criteria: Invitae Variant Classification Sherloc (09022015). Collection method: clinical testing. Allele origin: germline.
Comment: In summary, the available evidence is currently insufficient to determine the role of this variant in disease. Therefore, it has been classified as a Variant of Uncertain Significance. Experimental studies and prediction algorithms are not available or were not evaluated, and the functional significance of this variant is currently unknown. This variant has not been reported in the literature in individuals affected with MAGEL2-related conditions. This variant is not present in population databases (gnomAD no frequency). This sequence change replaces glutamic acid, which is acidic and polar, with valine, which is neutral and non-polar, at codon 959 of the MAGEL2 protein (p.Glu959Val).

NM_019066.5(MAGEL2):c.2876A>T (p.Glu959Val)

Gene: MAGEL2 (MAGE family member L2; minus strand). Cytogenetic location: 15q11.2.
Variant type: single nucleotide variant.
Coding change: c.2876A>T on transcript NM_019066.5 (MANE Select); coding-DNA position 2876, A replaced by T.
Protein change: p.Glu959Val; replaces glutamic acid 959 with valine.
Molecular consequence: missense variant.
Genome position (GRCh38, 1-based): chr15:23,644,867, T>A on the plus strand (A>T on the coding strand, the complement: MAGEL2 is on the minus strand). VCF-style: chr15-23644867-T-A. GRCh37 (hg19) VCF-style: chr15-23890014-T-A.
Other names: c.2876A>T (NM_019066.4); short protein forms E959V.
Identifiers: ClinVar variation 1951565 (VCV001951565.6), dbSNP rs545274091, ClinGen allele CA391326998.